The following is an entry in ClinVar:

ClinVar aggregate classification (germline): Uncertain significance (1 of 4 stars; one submission).

Conditions:
Tuberous sclerosis 2 (TSC2). Identifiers: Orphanet 805, MedGen C1860707, MONDO:0013199, OMIM 613254.

Submission:

Labcorp Genetics (formerly Invitae), Labcorp
Classification: Uncertain significance for Tuberous sclerosis 2. Last evaluated: 2021-12-17. Review status: criteria provided, single submitter. Criteria: Invitae Variant Classification Sherloc (09022015). Collection method: clinical testing. Allele origin: germline.
Comment: This variant results in a copy number gain of the genomic region encompassing exon(s) 1-3 of the TSC2 gene. This region includes the initiator codon of the gene. This copy number gain extends beyond the assayed region for this gene and therefore may encompass additional genes. As the precise location of this event is unknown, it may be in tandem or it may be located elsewhere in the genome. This variant has not been reported in the literature in individuals affected with TSC2-related conditions. Experimental studies and prediction algorithms are not available or were not evaluated, and the functional significance of this variant is currently unknown. In summary, the available evidence is currently insufficient to determine the role of this variant in disease. Therefore, it has been classified as a Variant of Uncertain Significance.

NC_000016.9:g.(?_2089925)_(2100497_?)dup

Genes: NTHL1 (nth like DNA glycosylase 1; minus strand), TSC2 (TSC complex subunit 2; plus strand). Cytogenetic location: 16p13.3.
Variant type: Duplication.
Identifiers: ClinVar variation 2423296 (VCV002423296.3).